The following is an entry in ClinVar:

NM_004863.4(SPTLC2):c.245C>T (p.Thr82Ile)

Gene: SPTLC2 (serine palmitoyltransferase long chain base subunit 2; minus strand). Cytogenetic location: 14q24.3.
Variant type: single nucleotide variant.
Coding change: c.245C>T on transcript NM_004863.4 (MANE Select); coding-DNA position 245, C replaced by T.
Protein change: p.Thr82Ile; replaces threonine 82 with isoleucine.
Molecular consequence: missense variant.
Genome position (GRCh38, 1-based): chr14:77,597,268, G>A on the plus strand (C>T on the coding strand, the complement: SPTLC2 is on the minus strand). VCF-style: chr14-77597268-G-A. GRCh37 (hg19) VCF-style: chr14-78063611-G-A.
Other names: short protein forms T82I.
Identifiers: ClinVar variation 478622 (VCV000478622.8), dbSNP rs1555378043, ClinGen allele CA390705466.

ClinVar aggregate classification (germline): Uncertain significance (1 of 4 stars; one submission).

Conditions:
Neuropathy, hereditary sensory and autonomic, type 1C. Also called: HSAN IC; HSN IC. Identifiers: Orphanet 36386, MedGen C3150896, MONDO:0013337, OMIM 613640.

Submission:

Labcorp Genetics (formerly Invitae), Labcorp
Classification: Uncertain significance for Neuropathy, hereditary sensory and autonomic, type 1C. Last evaluated: 2017-04-25. Review status: criteria provided, single submitter. Criteria: Invitae Variant Classification Sherloc (09022015). Collection method: clinical testing. Allele origin: germline.
Comment: In summary, this variant is a novel missense change that is not predicted to affect protein function. There is no indication that it causes disease, but the available evidence is currently insufficient to prove that conclusively. Therefore, it has been classified as a Variant of Uncertain Significance. This sequence change replaces threonine with isoleucine at codon 82 of the SPTLC2 protein (p.Thr82Ile). The threonine residue is moderately conserved and there is a moderate physicochemical difference between threonine and isoleucine. This variant is not present in population databases (ExAC no frequency) and has not been reported in the literature in individuals with a SPTLC2-related disease. Algorithms developed to predict the effect of missense changes on protein structure and function (SIFT, PolyPhen-2, Align-GVGD) all suggest that this variant is likely to be tolerated, but these predictions have not been confirmed by published functional studies.